The following is an entry in ClinVar:

NM_000732.6(CD3D):c.148A>T (p.Thr50Ser)

Gene: CD3D (CD3 delta subunit of T-cell receptor complex; minus strand). Cytogenetic location: 11q23.3.
Variant type: single nucleotide variant.
Coding change: c.148A>T on transcript NM_000732.6 (MANE Select); coding-DNA position 148, A replaced by T.
Protein change: p.Thr50Ser; replaces threonine 50 with serine.
Molecular consequence: missense variant.
Genome position (GRCh38, 1-based): chr11:118,340,501, T>A on the plus strand (A>T on the coding strand, the complement: CD3D is on the minus strand). VCF-style: chr11-118340501-T-A. GRCh37 (hg19) VCF-style: chr11-118211216-T-A.
Other names: c.148A>T, p.Thr50Ser (NM_001040651.2); short protein forms T50S.
Identifiers: ClinVar variation 1471490 (VCV001471490.5), dbSNP rs1217732214, ClinGen allele CA382789393.

ClinVar aggregate classification (germline): Uncertain significance (1 of 4 stars; one submission).

Conditions:
Immunodeficiency 19 (IMD19). Also called: IMMUNODEFICIENCY 19, SEVERE COMBINED; CD3-DELTA DEFICIENCY; SEVERE COMBINED IMMUNODEFICIENCY, T CELL-NEGATIVE, B CELL-POSITIVE, NK CELL-POSITIVE; SCID, T CELL-NEGATIVE, B CELL-POSITIVE, NK CELL-POSITIVE. Identifiers: MedGen C3810147, MONDO:0014280, OMIM 615617.

Allele frequency attached by ClinVar (database versions not stated): TOPMed 0.00002; gnomAD 0.00001; gnomAD exomes 0.00001.
gnomAD v4.1: 12 of 1,613,964 alleles (0.00074%); highest among the groups gnomAD compares: Non-Finnish European, 0.001%; no homozygotes.

Submission:

Labcorp Genetics (formerly Invitae), Labcorp
Classification: Uncertain significance for Immunodeficiency 19. Last evaluated: 2022-02-08. Review status: criteria provided, single submitter. Criteria: Invitae Variant Classification Sherloc (09022015). Collection method: clinical testing. Allele origin: germline.
Comment: This sequence change replaces threonine, which is neutral and polar, with serine, which is neutral and polar, at codon 50 of the CD3D protein (p.Thr50Ser). This variant is present in population databases (no rsID available, gnomAD 0.002%). This variant has not been reported in the literature in individuals affected with CD3D-related conditions. Algorithms developed to predict the effect of missense changes on protein structure and function (SIFT, PolyPhen-2, Align-GVGD) all suggest that this variant is likely to be tolerated. In summary, the available evidence is currently insufficient to determine the role of this variant in disease. Therefore, it has been classified as a Variant of Uncertain Significance.